The following is an entry in ClinVar:

ClinVar aggregate classification (germline): Uncertain significance. Review status: criteria provided, multiple submitters, no conflicts (2 of 4 stars). 2 submissions from 2 submitters: Uncertain significance (2). Last evaluated 2025-03-24.

Allele frequency attached by ClinVar (database versions not stated): gnomAD exomes below 0.00001; TOPMed 0.00003.

Submissions (2):

Labcorp Genetics (formerly Invitae), Labcorp
Classification: Uncertain significance. Last evaluated: 2025-03-24. Review status: criteria provided, single submitter. Criteria: Invitae Variant Classification Sherloc (09022015). Collection method: clinical testing. Allele origin: germline.
Comment: This sequence change replaces alanine, which is neutral and non-polar, with threonine, which is neutral and polar, at codon 125 of the OR2W3 protein (p.Ala125Thr). This variant is not present in population databases (gnomAD no frequency). This variant has not been reported in the literature in individuals affected with OR2W3-related conditions. ClinVar contains an entry for this variant (Variation ID: 2064569). An algorithm developed to predict the effect of missense changes on protein structure and function (PolyPhen-2) suggests that this variant is likely to be disruptive. In summary, the available evidence is currently insufficient to determine the role of this variant in disease. Therefore, it has been classified as a Variant of Uncertain Significance.

Ambry Genetics
Classification: Uncertain significance. Last evaluated: 2024-09-02. Review status: criteria provided, single submitter. Criteria: Ambry Variant Classification Scheme 2023. Collection method: clinical testing. Allele origin: germline.

NM_001001957.2(OR2W3):c.373G>A (p.Ala125Thr)

Gene: OR2W3 (olfactory receptor family 2 subfamily W member 3; plus strand). Cytogenetic location: 1q44.
Variant type: single nucleotide variant.
Coding change: c.373G>A on transcript NM_001001957.2 (MANE Select); coding-DNA position 373, G replaced by A.
Protein change: p.Ala125Thr; replaces alanine 125 with threonine.
Molecular consequence: missense variant.
Genome position (GRCh38, 1-based): chr1:247,895,959, G>A. VCF-style: chr1-247895959-G-A. GRCh37 (hg19) VCF-style: chr1-248059261-G-A.
Other names: short protein forms A125T.
Identifiers: ClinVar variation 2064569 (VCV002064569.5), dbSNP rs998672654, ClinGen allele CA40764518.